The following is an entry in ClinVar:

ClinVar aggregate classification (germline): Uncertain significance (1 of 4 stars; one submission).

Allele frequency attached by ClinVar (database versions not stated): gnomAD exomes below 0.00001; gnomAD 0.00001; TOPMed 0.00001.
gnomAD v4.1: 5 of 1,605,254 alleles (0.00031%); highest among the groups gnomAD compares: African/African-American, 0.0013%; no homozygotes.

Submission:

Labcorp Genetics (formerly Invitae), Labcorp
Classification: Uncertain significance. Last evaluated: 2023-05-01. Review status: criteria provided, single submitter. Criteria: Invitae Variant Classification Sherloc (09022015). Collection method: clinical testing. Allele origin: germline.
Comment: This variant is present in population databases (no rsID available, gnomAD 0.008%). In summary, the available evidence is currently insufficient to determine the role of this variant in disease. Therefore, it has been classified as a Variant of Uncertain Significance. Algorithms developed to predict the effect of missense changes on protein structure and function output the following: SIFT: "Not Available"; PolyPhen-2: "Benign"; Align-GVGD: "Not Available". The serine amino acid residue is found in multiple mammalian species, which suggests that this missense change does not adversely affect protein function. This variant has not been reported in the literature in individuals affected with CARMIL2-related conditions. This sequence change replaces proline, which is neutral and non-polar, with serine, which is neutral and polar, at codon 409 of the CARMIL2 protein (p.Pro409Ser).

NM_001013838.3(CARMIL2):c.1225C>T (p.Pro409Ser)

Gene: CARMIL2 (capping protein regulator and myosin 1 linker 2; plus strand). Cytogenetic location: 16q22.1.
Variant type: single nucleotide variant.
Coding change: c.1225C>T on transcript NM_001013838.3 (MANE Select); coding-DNA position 1225, C replaced by T.
Protein change: p.Pro409Ser; replaces proline 409 with serine.
Molecular consequence: missense variant. On other transcripts: intron variant (1).
Genome position (GRCh38, 1-based): chr16:67,648,205, C>T. VCF-style: chr16-67648205-C-T. GRCh37 (hg19) VCF-style: chr16-67682108-C-T.
Other names: c.1150-33C>T (NM_001317026.3); short protein forms P409S.
Identifiers: ClinVar variation 2907760 (VCV002907760.1), dbSNP rs1416453633, ClinGen allele CA396335521.